The following is an entry in ClinVar:

ClinVar aggregate classification (germline): Uncertain significance (1 of 4 stars; one submission).

Conditions:
Werner syndrome (WRN). Identifiers: Orphanet 902, MedGen C0043119, MONDO:0010196, OMIM 277700.

Allele frequency attached by ClinVar (database versions not stated): gnomAD exomes below 0.00001.
gnomAD v4.1: 2 of 1,613,886 alleles (0.00012%); highest among the groups gnomAD compares: Non-Finnish European, 0.000085%; no homozygotes.

Submission:

Labcorp Genetics (formerly Invitae), Labcorp
Classification: Uncertain significance for Werner syndrome. Last evaluated: 2024-12-24. Review status: criteria provided, single submitter. Criteria: Invitae Variant Classification Sherloc (09022015). Collection method: clinical testing. Allele origin: germline.
Comment: This sequence change replaces proline, which is neutral and non-polar, with leucine, which is neutral and non-polar, at codon 204 of the WRN protein (p.Pro204Leu). This variant is not present in population databases (gnomAD no frequency). This variant has not been reported in the literature in individuals affected with WRN-related conditions. ClinVar contains an entry for this variant (Variation ID: 570226). An algorithm developed to predict the effect of missense changes on protein structure and function (PolyPhen-2) suggests that this variant is likely to be disruptive. Experimental studies have shown that this missense change affects WRN function (PMID: 19824023). In summary, the available evidence is currently insufficient to determine the role of this variant in disease. Therefore, it has been classified as a Variant of Uncertain Significance.

Literature cited by the submitters: PubMed 19824023.

NM_000553.6(WRN):c.611C>T (p.Pro204Leu)

Gene: WRN (WRN RecQ like helicase; plus strand). Cytogenetic location: 8p12.
Variant type: single nucleotide variant.
Coding change: c.611C>T on transcript NM_000553.6 (MANE Select); coding-DNA position 611, C replaced by T.
Protein change: p.Pro204Leu; replaces proline 204 with leucine.
Molecular consequence: missense variant.
Genome position (GRCh38, 1-based): chr8:31,067,139, C>T. VCF-style: chr8-31067139-C-T. GRCh37 (hg19) VCF-style: chr8-30924655-C-T.
Other names: short protein forms P204L.
Identifiers: ClinVar variation 570226 (VCV000570226.7), dbSNP rs1563331362, ClinGen allele CA370916268.